The following is an entry in ClinVar:

ClinVar aggregate classification (germline): Benign. Review status: criteria provided, multiple submitters, no conflicts (2 of 4 stars). 2 submissions from 2 submitters: Benign (2). Last evaluated 2018-01-12.

Conditions:
Congenital afibrinogenemia. Identifiers: Orphanet 335, Orphanet 98880, MedGen C2584774, MONDO:0008737, OMIM 202400.

Allele frequency attached by ClinVar (database versions not stated): 1000 Genomes Project 30x 0.21299; 1000 Genomes Project 0.21366; gnomAD 0.24213; TOPMed 0.24911; gnomAD exomes 0.30653.
gnomAD v4.1: 76,722 of 274,844 alleles (28%); highest among the groups gnomAD compares: Middle Eastern, 35%; 11,547 homozygotes.

Submissions (2):

Illumina Laboratory Services, Illumina
Classification: Benign for Congenital afibrinogenemia. Last evaluated: 2018-01-12. Review status: criteria provided, single submitter. Criteria: ICSL Variant Classification Criteria 13 December 2019. Collection method: clinical testing. Allele origin: germline.
Comment: This variant was observed in the ICSL laboratory as part of a predisposition screen in an ostensibly healthy population. It had not been previously curated by ICSL or reported in the Human Gene Mutation Database (HGMD: prior to June 1st, 2018), and was therefore a candidate for classification through an automated scoring system. Utilizing variant allele frequency, disease prevalence and penetrance estimates, and inheritance mode, an automated score was calculated to assess if this variant is too frequent to cause the disease. Based on the score and internal cut-off values, a variant classified as benign is not then subjected to further curation. The score for this variant resulted in a classification of benign for this disease.

Breakthrough Genomics
Classification: Benign. Review status: criteria provided, single submitter. Criteria: ACMG Guidelines, 2015. Collection method: not provided. Allele origin: germline. Inheritance: Autosomal recessive inheritance. Affected: yes.

NM_005141.5(FGB):c.*422A>C

Gene: FGB (fibrinogen beta chain; plus strand). Cytogenetic location: 4q31.3.
Variant type: single nucleotide variant.
Coding change: c.*422A>C on transcript NM_005141.5 (MANE Select); 422 bases downstream of the stop codon, A replaced by C.
Molecular consequence: 3 prime UTR variant.
Genome position (GRCh38, 1-based): chr4:154,571,072, A>C. VCF-style: chr4-154571072-A-C. GRCh37 (hg19) VCF-style: chr4-155492224-A-C.
Other names: c.*422A>C (NM_001184741.1, NM_001382759.1, NM_001382760.1 and 3 more transcripts); c.*563A>C (NM_001382761.1); c.*672A>C (NM_001382764.1).
Identifiers: ClinVar variation 347782 (VCV000347782.6), dbSNP rs2227421, ClinGen allele CA10618086.
Genomic context (GRCh38, chr4:154,571,072, plus strand): 5'-TATTTATTTATGTAGGATCTGTCAAAGAAAACTTCCAAAAAGATTTATTAATTAAACCAG[A>C]CTCTGTTGCAATAAGTTAATGTTTTCTTGTTTTGTAATCCACACATTCAATGAGTTAGGC-3'